The following is an entry in ClinVar:

NM_176787.5(PIGN):c.117G>T (p.Leu39Phe)

Gene: PIGN (phosphatidylinositol glycan anchor biosynthesis class N; minus strand). Cytogenetic location: 18q21.33.
Variant type: single nucleotide variant.
Coding change: c.117G>T on transcript NM_176787.5 (MANE Select); coding-DNA position 117, G replaced by T.
Protein change: p.Leu39Phe; replaces leucine 39 with phenylalanine.
Molecular consequence: missense variant.
Genome position (GRCh38, 1-based): chr18:62,161,237, C>A on the plus strand (G>T on the coding strand, the complement: PIGN is on the minus strand). VCF-style: chr18-62161237-C-A. GRCh37 (hg19) VCF-style: chr18-59828470-C-A.
Other names: c.117G>T, p.Leu39Phe (NM_012327.6); short protein forms L39F.
Identifiers: ClinVar variation 539547 (VCV000539547.7), dbSNP rs986148241, ClinGen allele CA301697851.
Genomic context (GRCh38, chr18:62,161,237, plus strand): 5'-AAGTGCATCTGCTCGAAGGCCATCAGCAACAAACAACACTAATCTTCTCGCTGGAGGAGG[C>A]AATGGTGTAAACTGAGGAGTCATTCCATGAACCAAAGGAGATGTAAAATAAATGTCAAAG-3'
Protein context (NP_789744.1, residues 29-49): VHGMTPQFTP[Leu39Phe]PPPARRLVLF

ClinVar aggregate classification (germline): Uncertain significance. Review status: criteria provided, multiple submitters, no conflicts (2 of 4 stars). 2 submissions from 2 submitters: Uncertain significance (2). Last evaluated 2024-06-21.

Conditions:
Multiple congenital anomalies-hypotonia-seizures syndrome 1 (MCAHS1). Also called: PIGN-CDG; Congenital disorder of glycosylation due to PIGN deficiency; GLYCOSYLPHOSPHATIDYLINOSITOL BIOSYNTHESIS DEFECT 3. Identifiers: Orphanet 280633, MedGen C3279775, MONDO:0013563, OMIM 614080.

Allele frequency attached by ClinVar (database versions not stated): gnomAD exomes 0.00001; TOPMed 0.00002; gnomAD 0.00003; 1000 Genomes Project 30x 0.00016.
gnomAD v4.1: 26 of 1,613,550 alleles (0.0016%); highest among the groups gnomAD compares: Non-Finnish European, 0.0018%; no homozygotes.

Submissions (2):

Women's Health and Genetics/Laboratory Corporation of America, LabCorp
Classification: Uncertain significance. Last evaluated: 2024-06-21. Review status: criteria provided, single submitter. Criteria: LabCorp Variant Classification Summary - May 2015. Collection method: clinical testing. Allele origin: germline.
Comment: Variant summary: PIGN c.117G>T (p.Leu39Phe) results in a non-conservative amino acid change in the encoded protein sequence. Three of five in-silico tools predict a damaging effect of the variant on protein function. The variant allele was found at a frequency of 8e-06 in 249044 control chromosomes. The available data on variant occurrences in the general population are insufficient to allow any conclusion about variant significance. To our knowledge, no occurrence of c.117G>T in individuals affected with Multiple Congenital Anomalies-Hypotonia Syndrome 1 and no experimental evidence demonstrating its impact on protein function have been reported. ClinVar contains an entry for this variant (Variation ID: 539547). Based on the evidence outlined above, the variant was classified as uncertain significance.

Labcorp Genetics (formerly Invitae), Labcorp
Classification: Uncertain significance for Multiple congenital anomalies-hypotonia-seizures syndrome 1. Last evaluated: 2022-02-09. Review status: criteria provided, single submitter. Criteria: Invitae Variant Classification Sherloc (09022015). Collection method: clinical testing. Allele origin: germline.
Comment: This sequence change replaces leucine, which is neutral and non-polar, with phenylalanine, which is neutral and non-polar, at codon 39 of the PIGN protein (p.Leu39Phe). This variant is present in population databases (no rsID available, gnomAD 0.0009%). This variant has not been reported in the literature in individuals affected with PIGN-related conditions. ClinVar contains an entry for this variant (Variation ID: 539547). Algorithms developed to predict the effect of missense changes on protein structure and function are either unavailable or do not agree on the potential impact of this missense change (SIFT: "Tolerated"; PolyPhen-2: "Possibly Damaging"; Align-GVGD: "Class C0"). In summary, the available evidence is currently insufficient to determine the role of this variant in disease. Therefore, it has been classified as a Variant of Uncertain Significance.